The following is an entry in ClinVar:

ClinVar aggregate classification (germline): Uncertain significance (1 of 4 stars; one submission).

Allele frequency attached by ClinVar (database versions not stated): gnomAD exomes below 0.00001; TOPMed below 0.00001; gnomAD 0.00001.
gnomAD v4.1: 2 of 1,612,246 alleles (0.00012%); highest among the groups gnomAD compares: African/African-American, 0.0013%; no homozygotes.

Submission:

Labcorp Genetics (formerly Invitae), Labcorp
Classification: Uncertain significance. Last evaluated: 2021-05-22. Review status: criteria provided, single submitter. Criteria: Invitae Variant Classification Sherloc (09022015). Collection method: clinical testing. Allele origin: germline.
Comment: In summary, the available evidence is currently insufficient to determine the role of this variant in disease. Therefore, it has been classified as a Variant of Uncertain Significance. Algorithms developed to predict the effect of missense changes on protein structure and function are either unavailable or do not agree on the potential impact of this missense change (SIFT: "Deleterious"; PolyPhen-2: "Not Available"; Align-GVGD: "Class C0"). This variant has not been reported in the literature in individuals with CDH23-related conditions. This variant is not present in population databases (ExAC no frequency). This sequence change replaces arginine with cysteine at codon 2678 of the CDH23 protein (p.Arg2678Cys). The arginine residue is highly conserved and there is a large physicochemical difference between arginine and cysteine.

NM_022124.6(CDH23):c.8032C>T (p.Arg2678Cys)

Genes: CDH23 (cadherin related 23; plus strand), LOC111982869 (Sharpr-MPRA regulatory region 2121; plus strand). Cytogenetic location: 10q22.1.
Variant type: single nucleotide variant.
Coding change: c.8032C>T on transcript NM_022124.6 (MANE Select); coding-DNA position 8032, C replaced by T.
Protein change: p.Arg2678Cys; replaces arginine 2678 with cysteine.
Molecular consequence: missense variant.
Genome position (GRCh38, 1-based): chr10:71,805,965, C>T. VCF-style: chr10-71805965-C-T. GRCh37 (hg19) VCF-style: chr10-73565722-C-T.
Other names: c.1312C>T, p.Arg438Cys (NM_001171933.1, NM_001171934.1); short protein forms R2678C, R438C.
Identifiers: ClinVar variation 1356003 (VCV001356003.8), dbSNP rs1227697901, ClinGen allele CA377162199.
Genomic context (GRCh38, chr10:71,805,965, plus strand): 5'-AACCGGGACTGGGAGTTCTTCATCATCGACCCAATCAGCGGCCTCATCCAGACTGCTCAG[C>T]GCCTGGACCGCGAGTCGCAGGCGGTGTACAGCGTAAGGGCGGGGCCCGGTGCGAGGGGCG-3'
Protein context (NP_071407.4, residues 2668-2688): PISGLIQTAQ[Arg2678Cys]LDRESQAVYS